The following is an entry in ClinVar:

ClinVar aggregate classification (germline): Likely benign. Review status: criteria provided, multiple submitters, no conflicts (2 of 4 stars). 3 submissions from 3 submitters: Likely benign (3). Last evaluated 2026-01-21.

Allele frequency attached by ClinVar (database versions not stated): TOPMed 0.00006; gnomAD exomes 0.00007; ExAC 0.00008; gnomAD 0.00008 and 0.00009; ESP Exome Variant Server 0.00031.
gnomAD v4.1: 91 of 1,612,674 alleles (0.0056%); highest among the groups gnomAD compares: East Asian, 0.02%; no homozygotes.

Submissions (3):

Labcorp Genetics (formerly Invitae), Labcorp
Classification: Likely benign. Last evaluated: 2026-01-21. Review status: criteria provided, single submitter. Criteria: Invitae Variant Classification Sherloc (09022015). Collection method: clinical testing. Allele origin: germline.

Blueprint Genetics
Classification: Likely benign. Last evaluated: 2023-11-20. Review status: criteria provided, single submitter. Criteria: ACMG Guidelines, 2015. Collection method: clinical testing. Allele origin: germline.

GeneDx
Classification: Likely benign. Last evaluated: 2017-08-25. Review status: criteria provided, single submitter. Criteria: GeneDx Variant Classification (06012015). Collection method: clinical testing. Allele origin: germline. Affected: yes.
Comment: This variant is considered likely benign or benign based on one or more of the following criteria: it is a conservative change, it occurs at a poorly conserved position in the protein, it is predicted to be benign by multiple in silico algorithms, and/or has population frequency not consistent with disease.

NM_007103.4(NDUFV1):c.326+16C>T

Gene: NDUFV1 (NADH:ubiquinone oxidoreductase core subunit V1; plus strand). Cytogenetic location: 11q13.2.
Variant type: single nucleotide variant.
Coding change: c.326+16C>T on transcript NM_007103.4 (MANE Select); 16 bases into the intron after coding-DNA position 326, C replaced by T.
Molecular consequence: intron variant.
Genome position (GRCh38, 1-based): chr11:67,608,738, C>T. VCF-style: chr11-67608738-C-T. GRCh37 (hg19) VCF-style: chr11-67376209-C-T.
Other names: c.299+16C>T (NM_001166102.2).
Identifiers: ClinVar variation 516753 (VCV000516753.5), dbSNP rs374200980, ClinGen allele CA6143137.